The following is an entry in ClinVar:

NM_001365951.3(KIF1B):c.2115+7327T>C

Gene: KIF1B (kinesin family member 1B; plus strand). Cytogenetic location: 1p36.22.
Variant type: single nucleotide variant.
Coding change: c.2115+7327T>C on transcript NM_001365951.3 (MANE Select); 7327 bases into the intron after coding-DNA position 2115, T replaced by C.
Molecular consequence: intron variant. On other transcripts: missense variant (2).
Genome position (GRCh38, 1-based): chr1:10,304,573, T>C. VCF-style: chr1-10304573-T-C. GRCh37 (hg19) VCF-style: chr1-10364631-T-C.
Other names: c.3388T>C, p.Phe1130Leu (NM_001365953.1, NM_183416.4); c.1977+7327T>C (NM_015074.3); c.2115+7327T>C (NM_001365952.1); short protein forms F1130L.
Identifiers: ClinVar variation 5020808 (VCV005020808.1).
Genomic context (GRCh38, chr1:10,304,573, plus strand): 5'-GAGGGCAATGCAGCCACTTCCTATCAGAAGCAGACTGACAAACCCAGCCACTGTAGCCAG[T>C]TTGTGACACCTCCGCGGATGAGGAGACAGTTCTCAGCACCCAATCTCAAAGCTGGTCGAG-3'

ClinVar aggregate classification (germline): Uncertain significance (1 of 4 stars; one submission).

Submission:

Dasa
Classification: Uncertain significance. Last evaluated: 2025-11-04. Review status: criteria provided, single submitter. Criteria: DASA Assertion Criteria. Collection method: clinical testing. Allele origin: germline.
Comment: NM_001365953.1(KIF1B):c.3388T>C (p.Phe1130Leu) is a missense variant that results in the substitution of phenylalanine with leucine. This variant is absent from population databases. The currently available literature and clinical evidence are not sufficient to establish a definitive association between this variant and the reported condition. Therefore, this variant is classified as a variant of uncertain significance.